The following is an entry in ClinVar:

ClinVar aggregate classification (germline): Uncertain significance (1 of 4 stars; one submission).

Submission:

GeneDx
Classification: Uncertain significance. Last evaluated: 2026-02-19. Review status: criteria provided, single submitter. Criteria: GeneDx Variant Classification Process June 2021. Collection method: clinical testing. Allele origin: germline.
Comment: Not observed at significant frequency in large population cohorts (gnomAD); In silico analysis supports that this missense variant has a deleterious effect on protein structure/function; Has not been previously published as pathogenic or benign to our knowledge; Located in one of the three hot-spot regions of the RYR2 gene, where the majority of pathogenic missense variants occur (PMID: 19926015); This variant is associated with the following publications: (PMID: 19926015)

NM_001035.3(RYR2):c.12035T>C (p.Met4012Thr)

Gene: RYR2 (ryanodine receptor 2; plus strand). Cytogenetic location: 1q43.
Variant type: single nucleotide variant.
Coding change: c.12035T>C on transcript NM_001035.3 (MANE Select); coding-DNA position 12035, T replaced by C.
Protein change: p.Met4012Thr; replaces methionine 4012 with threonine.
Molecular consequence: missense variant.
Genome position (GRCh38, 1-based): chr1:237,783,747, T>C. VCF-style: chr1-237783747-T-C. GRCh37 (hg19) VCF-style: chr1-237947047-T-C.
Other names: short protein forms M4012T.
Identifiers: ClinVar variation 5009824 (VCV005009824.1).